The following is an entry in ClinVar:

ClinVar aggregate classification (germline): Uncertain significance (1 of 4 stars; one submission).

Conditions:
Hypertrophic cardiomyopathy. Also called: HYPERTROPHIC MYOCARDIOPATHY. Identifiers: Orphanet 217569, MedGen C0007194, MeSH D002312, MONDO:0005045, HP:0001639.

Submission:

All of Us Research Program, National Institutes of Health
Classification: Uncertain significance for Hypertrophic cardiomyopathy. Last evaluated: 2023-03-04. Review status: criteria provided, single submitter. Criteria: ACMG Guidelines, 2015. Collection method: clinical testing. Allele origin: germline. Inheritance: Autosomal dominant inheritance. Observed: 1 variant allele, 1 heterozygote.
Comment: This study involves interpretation of variants in research participants for the purpose of population health screening. Participant phenotype was not available at the time of variant classification. Additional details can be found in publication PMID: 35346344, PMCID: PMC8962531

NM_000256.3(MYBPC3):c.370G>C (p.Ala124Pro)

Gene: MYBPC3 (myosin binding protein C3; minus strand). Cytogenetic location: 11p11.2.
Variant type: single nucleotide variant.
Coding change: c.370G>C on transcript NM_000256.3 (MANE Select); coding-DNA position 370, G replaced by C.
Protein change: p.Ala124Pro; replaces alanine 124 with proline.
Molecular consequence: missense variant.
Genome position (GRCh38, 1-based): chr11:47,350,538, C>G on the plus strand (G>C on the coding strand, the complement: MYBPC3 is on the minus strand). VCF-style: chr11-47350538-C-G. GRCh37 (hg19) VCF-style: chr11-47372089-C-G.
Other names: short protein forms A124P.
Identifiers: ClinVar variation 3069877 (VCV003069877.1), dbSNP rs2095899649, ClinGen allele CA380340550.